The following is an entry in ClinVar:

NM_003106.4(SOX2):c.142T>G (p.Phe48Val)

Genes: SOX2 (SRY-box transcription factor 2; plus strand), SOX2-OT (SOX2 overlapping transcript; plus strand), LOC108281177 (SOX2 5' regulatory region; plus strand). Cytogenetic location: 3q26.33.
Variant type: single nucleotide variant.
Coding change: c.142T>G on transcript NM_003106.4 (MANE Select); coding-DNA position 142, T replaced by G.
Protein change: p.Phe48Val; replaces phenylalanine 48 with valine.
Molecular consequence: missense variant.
Genome position (GRCh38, 1-based): chr3:181,712,502, T>G. VCF-style: chr3-181712502-T-G. GRCh37 (hg19) VCF-style: chr3-181430290-T-G.
Other names: short protein forms F48V.
Identifiers: ClinVar variation 3062095 (VCV003062095.1), dbSNP rs2473717249, ClinGen allele CA355473213.

ClinVar aggregate classification (germline): Likely pathogenic (1 of 4 stars; one submission).

Conditions:
Anophthalmia/microphthalmia-esophageal atresia syndrome (MCOPS3). Also called: SOX2 Disorder; AEG SYNDROME; MICROPHTHALMIA AND ESOPHAGEAL ATRESIA SYNDROME. Identifiers: Orphanet 77298, MedGen C1859773, MONDO:0008799, OMIM 206900.

Submission:

Illumina Laboratory Services, Illumina
Classification: Likely pathogenic for Anophthalmia/microphthalmia-esophageal atresia syndrome. Last evaluated: 2018-10-02. Review status: criteria provided, single submitter. Criteria: ICSLVariantClassificationCriteria RUGD 01 April 2020. Collection method: clinical testing. Allele origin: unknown.
Comment: The SOX2 c.142T>G p.(Phe48Val) missense variant has not, to our knowledge, been reported in the peer-reviewed literature. This variant is not observed in version 2.1.1 or version 4.0.0 of the Genome Aggregation Database. The variant is located in the HMG box domain of the protein, which is critical to DNA binding. Based on the available evidence, the c.142T>G p.(Phe48Val) variant is classified as likely pathogenic for SOX2-related eye disorders.